The following is an entry in ClinVar:

NM_001172509.2(SATB2):c.1756C>T (p.Gln586Ter)

Genes: SATB2 (SATB homeobox 2; minus strand), LOC126806462 (MED14-independent group 3 enhancer GRCh37_chr2:200136608-200137807; plus strand). Cytogenetic location: 2q33.1.
Variant type: single nucleotide variant.
Coding change: c.1756C>T on transcript NM_001172509.2 (MANE Select); coding-DNA position 1756, C replaced by T.
Protein change: p.Gln586Ter; replaces glutamine 586 with a stop codon.
Molecular consequence: nonsense.
Genome position (GRCh38, 1-based): chr2:199,272,657, G>A on the plus strand (C>T on the coding strand, the complement: SATB2 is on the minus strand). VCF-style: chr2-199272657-G-A. GRCh37 (hg19) VCF-style: chr2-200137380-G-A.
Other names: c.1756C>T, p.Gln586Ter (NM_001172517.1, NM_015265.4); short protein forms Q586*.
Identifiers: ClinVar variation 620309 (VCV000620309.4), dbSNP rs1559136245, ClinGen allele CA350386075.

ClinVar aggregate classification (germline): Pathogenic/Likely pathogenic. Review status: criteria provided, multiple submitters, no conflicts (2 of 4 stars). 3 submissions from 3 submitters: Pathogenic (2); Likely pathogenic (1). Last evaluated 2020-10-23.

Conditions:
Chromosome 2q32-q33 deletion syndrome (GLASS). Also called: 2q33.1 deletion syndrome; Glass syndrome. Identifiers: Orphanet 251019, MedGen C2676739, MONDO:0012864, OMIM 612313.

Submissions (3):

Institute of Medical Genetics and Applied Genomics, University Hospital Tübingen
Classification: Pathogenic. Last evaluated: 2020-10-23. Review status: criteria provided, single submitter. Criteria: ACMG Guidelines, 2015. Collection method: clinical testing. Allele origin: germline. Inheritance: Unknown mechanism. Affected: yes.

GeneDx
Classification: Likely pathogenic. Last evaluated: 2018-08-08. Review status: criteria provided, single submitter. Criteria: GeneDx Variant Classification (06012015). Collection method: clinical testing. Allele origin: germline. Affected: yes.
Comment: The Q586X variant in the SATB2 gene has not been reported previously as a pathogenic variant nor as a benign variant, to our knowledge. This variant is predicted to cause loss of normal protein function through protein truncation. The Q586X variant is not observed in large population cohorts (Lek et al., 2016). We interpret Q586X as a likely pathogenic variant.

Imagene.me medical diagnostic laboratory, IMAGENE.ME SA
Classification: Pathogenic for Chromosome 2q32-q33 deletion syndrome. Review status: criteria provided, single submitter. Criteria: IMAGENE.ME Variant Classification SOP 2022. Collection method: clinical testing. Allele origin: de novo. Affected: yes.
Comment: Classified according to the IMAGENE.ME variant classification SOP based on the ACMG guidelines as Pathogenic (P): PVS1_Strong + PS2_Moderate + PS4_Supporting + PM2 + PP4